The following is an entry in ClinVar:

NM_001365999.1(SZT2):c.296A>T (p.Glu99Val)

Gene: SZT2 (SZT2 subunit of KICSTOR complex; plus strand). Cytogenetic location: 1p34.2.
Variant type: single nucleotide variant.
Coding change: c.296A>T on transcript NM_001365999.1 (MANE Select); coding-DNA position 296, A replaced by T.
Protein change: p.Glu99Val; replaces glutamic acid 99 with valine.
Molecular consequence: missense variant.
Genome position (GRCh38, 1-based): chr1:43,403,743, A>T. VCF-style: chr1-43403743-A-T. GRCh37 (hg19) VCF-style: chr1-43869414-A-T.
Other names: c.296A>T, p.Glu99Val (NM_015284.4); short protein forms E99V.
Identifiers: ClinVar variation 1358723 (VCV001358723.5), dbSNP rs1390151138, ClinGen allele CA339996412.
Genomic context (GRCh38, chr1:43,403,743, plus strand): 5'-TCCTCCTGGTACCTTCCACCCGGGTCACCTTCCTGGCTTGGCAGTATCGGTTTGTCATTG[A>T]GTTGGACCTTAGCCCATCTACTGGCATTGTGGTAAAGGATTGAAGGGAGACTGTGGGAAG-3'
Protein context (NP_001352928.1, residues 89-109): FLAWQYRFVI[Glu99Val]LDLSPSTGIV

ClinVar aggregate classification (germline): Uncertain significance (1 of 4 stars; one submission).

Allele frequency attached by ClinVar (database versions not stated): gnomAD exomes below 0.00001 and 0.00002.
gnomAD v4.1: 25 of 1,614,020 alleles (0.0015%); highest among the groups gnomAD compares: Non-Finnish European, 0.0021%; no homozygotes.

Submission:

Labcorp Genetics (formerly Invitae), Labcorp
Classification: Uncertain significance. Last evaluated: 2021-09-01. Review status: criteria provided, single submitter. Criteria: Invitae Variant Classification Sherloc (09022015). Collection method: clinical testing. Allele origin: germline.
Comment: This sequence change replaces glutamic acid with valine at codon 99 of the SZT2 protein (p.Glu99Val). The glutamic acid residue is weakly conserved and there is a moderate physicochemical difference between glutamic acid and valine. This variant is not present in population databases (ExAC no frequency). This variant has not been reported in the literature in individuals affected with SZT2-related conditions. Algorithms developed to predict the effect of missense changes on protein structure and function are either unavailable or do not agree on the potential impact of this missense change (SIFT: "Tolerated"; PolyPhen-2: "Possibly Damaging"; Align-GVGD: "Class C0"). In summary, the available evidence is currently insufficient to determine the role of this variant in disease. Therefore, it has been classified as a Variant of Uncertain Significance.